The following is an entry in ClinVar:

NM_001130987.2(DYSF):c.106A>T (p.Thr36Ser)

Gene: DYSF (dysferlin; plus strand). Cytogenetic location: 2p13.2.
Variant type: single nucleotide variant.
Coding change: c.106A>T on transcript NM_001130987.2 (MANE Select); coding-DNA position 106, A replaced by T.
Protein change: p.Thr36Ser; replaces threonine 36 with serine.
Molecular consequence: missense variant.
Genome position (GRCh38, 1-based): chr2:71,480,897, A>T. VCF-style: chr2-71480897-A-T. GRCh37 (hg19) VCF-style: chr2-71708027-A-T.
Other names: c.106A>T, p.Thr36Ser (NM_001130455.2, NM_001130982.2, NM_001130983.2 and 3 more transcripts); c.103A>T, p.Thr35Ser (NM_001130976.2, NM_001130977.2, NM_001130978.2 and 4 more transcripts); c.103A>T (NM_003494.3); short protein forms T35S, T36S.
Identifiers: ClinVar variation 2441151 (VCV002441151.5), dbSNP rs985470984, ClinGen allele CA49750035.
Genomic context (GRCh38, chr2:71,480,897, plus strand): 5'-AAAGGCGGGATGTGTCTCTCCATTCTCCCTTTTGTGTCTCTTGTAGGGGTGAAGAAGAGA[A>T]CCAAAGTCATCAAGAACAGCGTGAACCCTGTATGGAATGAGGTATGTGAGTTTTTCTCCT-3'
Protein context (NP_001124459.1, residues 26-46): SLTFRGVKKR[Thr36Ser]KVIKNSVNPV

ClinVar aggregate classification (germline): Uncertain significance. Review status: criteria provided, multiple submitters, no conflicts (2 of 4 stars). 3 submissions from 3 submitters: Uncertain significance (3). Last evaluated 2025-08-05.

Conditions:
Inborn genetic diseases. Identifiers: MedGen C0950123, MeSH D030342.

Allele frequency attached by ClinVar (database versions not stated): gnomAD 0.00001; gnomAD exomes 0.00001; TOPMed 0.00002.
gnomAD v4.1: 7 of 1,614,060 alleles (0.00043%); highest among the groups gnomAD compares: Non-Finnish European, 0.00059%; no homozygotes.

Submissions (3):

Ambry Genetics
Classification: Uncertain significance for Inborn genetic diseases. Last evaluated: 2025-08-05. Review status: criteria provided, single submitter. Criteria: Ambry Variant Classification Scheme 2023. Collection method: clinical testing. Allele origin: germline.

GeneDx
Classification: Uncertain significance. Last evaluated: 2024-05-05. Review status: criteria provided, single submitter. Criteria: GeneDx Variant Classification Process June 2021. Collection method: clinical testing. Allele origin: germline. Affected: yes.
Comment: Not observed at significant frequency in large population cohorts (gnomAD); In silico analysis supports that this missense variant has a deleterious effect on protein structure/function; Has not been previously published as pathogenic or benign to our knowledge; This variant is associated with the following publications: (PMID: 24438169)

Revvity Omics, Revvity
Classification: Uncertain significance. Last evaluated: 2021-09-28. Review status: criteria provided, single submitter. Criteria: ACMG Guidelines, 2015. Collection method: clinical testing. Allele origin: germline.